The following is an entry in ClinVar:

ClinVar aggregate classification (germline): Benign/Likely benign. Review status: criteria provided, multiple submitters, no conflicts (2 of 4 stars). 5 submissions from 5 submitters: Benign (1); Likely benign (4). Last evaluated 2025-03-04.

Conditions:
Hereditary cancer-predisposing syndrome. Also called: Neoplastic Syndromes, Hereditary; Hereditary Cancer Syndrome; Tumor predisposition; Hereditary neoplastic syndrome. Identifiers: Orphanet 140162, MedGen C0027672, MeSH D009386, MONDO:0015356.
Familial cancer of breast. Also called: Hereditary breast cancer; BREAST CANCER, FAMILIAL; hereditary breast carcinoma. Identifiers: Orphanet 227535, MedGen C0346153, MONDO:0016419, OMIM 114480. Disease mechanism: loss of function.
Ataxia-telangiectasia syndrome (AT). Also called: LOUIS-BAR SYNDROME; Cerebello-oculocutaneous telangiectasia; Immunodeficiency with ataxia telangiectasia; Ataxia-telangiectasia, complementation group D; AT, COMPLEMENTATION GROUP C; Ataxia-telangiectasia, complementation group E. Identifiers: Orphanet 100, MedGen C0004135, MONDO:0008840, OMIM 208900.

Allele frequency attached by ClinVar (database versions not stated): gnomAD 0.00001 and below 0.00001; gnomAD exomes 0.00004 and 0.00002; ExAC 0.00003.
gnomAD v4.1: 28 of 1,614,052 alleles (0.0017%); highest among the groups gnomAD compares: South Asian, 0.027%; no homozygotes.

Submissions (5):

Center for Genomic Medicine, Rigshospitalet, Copenhagen University Hospital
Classification: Likely benign. Last evaluated: 2025-03-04. Review status: criteria provided, single submitter. Criteria: ACMG Guidelines, 2015. Collection method: clinical testing. Allele origin: germline.

Labcorp Genetics (formerly Invitae), Labcorp
Classification: Likely benign for Ataxia-telangiectasia syndrome. Last evaluated: 2025-01-06. Review status: criteria provided, single submitter. Criteria: Invitae Variant Classification Sherloc (09022015). Collection method: clinical testing. Allele origin: germline.

Myriad Genetics, Inc.
Classification: Benign for Familial cancer of breast. Last evaluated: 2024-06-06. Review status: criteria provided, single submitter. Criteria: Myriad Autosomal Dominant, Autosomal Recessive and X-Linked Classification Criteria (2023). Collection method: clinical testing. Allele origin: unknown.
Comment: This variant is considered benign. This variant is a silent/synonymous amino acid change and it is not expected to impact splicing.

Color Diagnostics, LLC DBA Color Health
Classification: Likely benign for Hereditary cancer-predisposing syndrome. Last evaluated: 2019-01-23. Review status: criteria provided, single submitter. Criteria: ACMG Guidelines, 2015. Collection method: clinical testing. Allele origin: germline.

Ambry Genetics
Classification: Likely benign for Hereditary cancer-predisposing syndrome. Last evaluated: 2016-08-30. Review status: criteria provided, single submitter. Criteria: Ambry Variant Classification Scheme 2023. Collection method: clinical testing. Allele origin: germline.

NM_000051.4(ATM):c.6498G>A (p.Val2166=)

Genes: ATM (ATM serine/threonine kinase; plus strand), C11orf65 (chromosome 11 open reading frame 65; minus strand). Cytogenetic location: 11q22.3.
Variant type: single nucleotide variant.
Coding change: c.6498G>A on transcript NM_000051.4 (MANE Select); coding-DNA position 6498, G replaced by A.
Protein change: p.Val2166=; no amino-acid change (valine 2166 retained).
Molecular consequence: synonymous variant. On other transcripts: intron variant (2).
Genome position (GRCh38, 1-based): chr11:108,321,346, G>A. VCF-style: chr11-108321346-G-A. GRCh37 (hg19) VCF-style: chr11-108192073-G-A.
Other names: c.6498G>A, p.Val2166= (NM_001351834.2); c.641-12275C>T (NM_001330368.2); c.*39-12275C>T (NM_001351110.2).
Identifiers: ClinVar variation 481085 (VCV000481085.17), dbSNP rs746514937, ClinGen allele CA6265958.